The following is an entry in ClinVar:

ClinVar aggregate classification (germline): Uncertain significance (1 of 4 stars; one submission).

Conditions:
Malignant hyperthermia, susceptibility to, 1 (MHS1). Also called: RYR1-Related Malignant Hyperthermia Susceptibility; Malignant hyperthermia suceptibility 1; Anesthesia related hyperthermia; Malignant hyperpyrexia; Fulminating hyperpyrexia; Pharmacogenic myopathy. Identifiers: Orphanet 423, MedGen C2930980, MONDO:0007783, OMIM 145600.

gnomAD v4.1: 4 of 1,539,104 alleles (0.00026%); highest among the groups gnomAD compares: South Asian, 0.0036%; no homozygotes.

Submission:

Color Diagnostics, LLC DBA Color Health
Classification: Uncertain significance for Malignant hyperthermia, susceptibility to, 1. Last evaluated: 2025-08-24. Review status: criteria provided, single submitter. Criteria: ACMG Guidelines, 2015. Collection method: clinical testing. Allele origin: germline.
Comment: This missense variant replaces alanine with threonine at codon 1378 of the RYR1 protein. Computational prediction suggests that this variant may not impact protein structure and function. To our knowledge, functional studies have not been reported for this variant. This variant has not been reported in individuals affected with RYR1-related disorders in the literature. This variant has not been identified in the general population by the Genome Aggregation Database (gnomAD). The available evidence is insufficient to determine the role of this variant in disease conclusively. Therefore, this variant is classified as a Variant of Uncertain Significance.

NM_000540.3(RYR1):c.4132G>A (p.Ala1378Thr)

Gene: RYR1 (ryanodine receptor 1; plus strand). Cytogenetic location: 19q13.2.
Variant type: single nucleotide variant.
Coding change: c.4132G>A on transcript NM_000540.3 (MANE Select); coding-DNA position 4132, G replaced by A.
Protein change: p.Ala1378Thr; replaces alanine 1378 with threonine.
Molecular consequence: missense variant.
Genome position (GRCh38, 1-based): chr19:38,473,743, G>A. VCF-style: chr19-38473743-G-A. GRCh37 (hg19) VCF-style: chr19-38964383-G-A.
Other names: c.4132G>A, p.Ala1378Thr (NM_001042723.2); short protein forms A1378T.
Identifiers: ClinVar variation 4758054 (VCV004758054.1).
Genomic context (GRCh38, chr19:38,473,743, plus strand): 5'-GGGGGCACCCCGCAGGCGGGGGGAGAGGCGCAGCCCGCCAGGGCGGAGAATGAGAAGGAT[G>A]CCACCACCGAGAAGAACAAGAAGAGAGGGTGAGTCGAGGGGGGCCCAGAGTGGGGATTGG-3'
Protein context (NP_000531.2, residues 1368-1388): QPARAENEKD[Ala1378Thr]TTEKNKKRGF